The following is an entry in ClinVar:

ClinVar aggregate classification (germline): Uncertain significance (1 of 4 stars; one submission).

Conditions:
DNA ligase IV deficiency. Identifiers: Orphanet 99812, MedGen C1847827, MONDO:0011686, OMIM 606593.

Submission:

Labcorp Genetics (formerly Invitae), Labcorp
Classification: Uncertain significance for DNA ligase IV deficiency. Last evaluated: 2022-08-21. Review status: criteria provided, single submitter. Criteria: Invitae Variant Classification Sherloc (09022015). Collection method: clinical testing. Allele origin: germline.
Comment: This sequence change replaces glycine, which is neutral and non-polar, with arginine, which is basic and polar, at codon 398 of the LIG4 protein (p.Gly398Arg). This variant is not present in population databases (gnomAD no frequency). This variant has not been reported in the literature in individuals affected with LIG4-related conditions. Algorithms developed to predict the effect of missense changes on protein structure and function are either unavailable or do not agree on the potential impact of this missense change (SIFT: "Deleterious"; PolyPhen-2: "Probably Damaging"; Align-GVGD: "Class C0"). In summary, the available evidence is currently insufficient to determine the role of this variant in disease. Therefore, it has been classified as a Variant of Uncertain Significance.

NM_206937.2(LIG4):c.1192G>C (p.Gly398Arg)

Gene: LIG4 (DNA ligase 4; minus strand). Cytogenetic location: 13q33.3.
Variant type: single nucleotide variant.
Coding change: c.1192G>C on transcript NM_206937.2 (MANE Select); coding-DNA position 1192, G replaced by C.
Protein change: p.Gly398Arg; replaces glycine 398 with arginine.
Molecular consequence: missense variant.
Genome position (GRCh38, 1-based): chr13:108,210,077, C>G on the plus strand (G>C on the coding strand, the complement: LIG4 is on the minus strand). VCF-style: chr13-108210077-C-G. GRCh37 (hg19) VCF-style: chr13-108862425-C-G.
Other names: c.1192G>C, p.Gly398Arg (NM_001098268.2, NM_001352598.2, NM_001352599.2 and 6 more transcripts); c.991G>C, p.Gly331Arg (NM_001330595.2); c.1228G>C, p.Gly410Arg (NM_001352604.2); short protein forms G331R, G398R, G410R.
Identifiers: ClinVar variation 1717442 (VCV001717442.3), dbSNP rs2501606595, ClinGen allele CA388618105.